The following is an entry in ClinVar:

ClinVar aggregate classification (germline): Uncertain significance (1 of 4 stars; one submission).

Conditions:
Hereditary cancer-predisposing syndrome. Also called: Neoplastic Syndromes, Hereditary; Tumor predisposition; Hereditary neoplastic syndrome; Hereditary Cancer Syndrome. Identifiers: Orphanet 140162, MedGen C0027672, MeSH D009386, MONDO:0015356.

gnomAD v4.1: 1 of 1,614,170 alleles (0.000062%); highest among the groups gnomAD compares: African/African-American, 0.0013%; no homozygotes.

Submission:

Ambry Genetics
Classification: Uncertain significance for Hereditary cancer-predisposing syndrome. Last evaluated: 2026-07-04. Review status: criteria provided, single submitter. Criteria: Ambry Variant Classification Scheme 2023. Collection method: clinical testing. Allele origin: germline.
Comment: The p.Q101P variant (also known as c.302A>C), located in coding exon 3 of the SDHAF2 gene, results from an A to C substitution at nucleotide position 302. The glutamine at codon 101 is replaced by proline, an amino acid with similar properties. This amino acid position is conserved. In addition, this alteration is predicted to be deleterious by in silico analysis. Based on the available evidence, the clinical significance of this variant remains unclear.

NM_017841.4(SDHAF2):c.302A>C (p.Gln101Pro)

Gene: SDHAF2 (succinate dehydrogenase complex assembly factor 2; plus strand). Cytogenetic location: 11q12.2.
Variant type: single nucleotide variant.
Coding change: c.302A>C on transcript NM_017841.4 (MANE Select); coding-DNA position 302, A replaced by C.
Protein change: p.Gln101Pro; replaces glutamine 101 with proline.
Molecular consequence: missense variant.
Genome position (GRCh38, 1-based): chr11:61,438,045, A>C. VCF-style: chr11-61438045-A-C. GRCh37 (hg19) VCF-style: chr11-61205517-A-C.
Other names: short protein forms Q101P.
Identifiers: ClinVar variation 5029223 (VCV005029223.1).